The following is an entry in ClinVar:

ClinVar aggregate classification (germline): Uncertain significance (1 of 4 stars; one submission).

Conditions:
Optic atrophy 9 (OPA9). Identifiers: MedGen C4225384, MONDO:0014571, OMIM 616289.

Submission:

Institute of Human Genetics, University of Goettingen
Classification: Uncertain significance for Optic atrophy 9. Last evaluated: 2022-09-09. Review status: criteria provided, single submitter. Criteria: ACMG Guidelines, 2015. Collection method: clinical testing. Allele origin: unknown. Inheritance: Autosomal dominant inheritance. Observed: 1 heterozygote.
Comment: The variant c.2015A>C (p.(Glu672Ala)) in exon 16 of the ACO2-gene is not found in the gnomAD database, it affects a highly conserved nucleotide, a highly conserved amino acid within a protein domain and there is a moderate physicochemical difference between Glu and Ala. This variant has a pathogenic computational verdict based on in silico predictions algorithms. ACMG criteria used for classification: PM2, PP2, PP3.

NM_001098.3(ACO2):c.2015A>C (p.Glu672Ala)

Genes: ACO2 (aconitase 2; plus strand), POLR3H (RNA polymerase III subunit H; minus strand). Cytogenetic location: 22q13.2.
Variant type: single nucleotide variant.
Coding change: c.2015A>C on transcript NM_001098.3 (MANE Select); coding-DNA position 2015, A replaced by C.
Protein change: p.Glu672Ala; replaces glutamic acid 672 with alanine.
Molecular consequence: missense variant. On other transcripts: 3 prime UTR variant (5).
Genome position (GRCh38, 1-based): chr22:41,527,349, A>C. VCF-style: chr22-41527349-A-C. GRCh37 (hg19) VCF-style: chr22-41923353-A-C.
Other names: c.*1934T>G (NM_001018050.4, NM_001018052.4, NM_001282884.2 and 2 more transcripts); short protein forms E672A.
Identifiers: ClinVar variation 1704307 (VCV001704307.2), dbSNP rs199562524, ClinGen allele CA411728920.
Genomic context (GRCh38, chr22:41,527,349, plus strand): 5'-AACATGGCATCAGGTGGGTGGTGATCGGAGACGAGAACTACGGCGAGGGCTCGAGCCGGG[A>C]GCATGCAGCTCTGGAGCCTCGCCACCTTGGGGGCCGGGCCATCATCACCAAGAGCTTTGC-3'
Protein context (NP_001089.1, residues 662-682): DENYGEGSSR[Glu672Ala]HAALEPRHLG